The following is an entry in ClinVar:

NM_032776.3(JMJD1C):c.6292-3T>A

Gene: JMJD1C (jumonji domain containing 1C; minus strand). Cytogenetic location: 10q21.3.
Variant type: single nucleotide variant.
Coding change: c.6292-3T>A on transcript NM_032776.3 (MANE Select); 3 bases into the intron before coding-DNA position 6292, T replaced by A.
Molecular consequence: intron variant.
Genome position (GRCh38, 1-based): chr10:63,189,449, A>T on the plus strand (T>A on the coding strand, the complement: JMJD1C is on the minus strand). VCF-style: chr10-63189449-A-T. GRCh37 (hg19) VCF-style: chr10-64949209-A-T.
Other names: c.5635-3T>A (NM_001322258.2, NM_001322254.2); c.5746-3T>A (NM_001318154.2, NM_001282948.2); c.6178-3T>A (NM_001322252.2); c.5428-3T>A (NM_001318153.2).
Identifiers: ClinVar variation 1383941 (VCV001383941.6), dbSNP rs562569205, ClinGen allele CA2573145243.
Genomic context (GRCh38, chr10:63,189,449, plus strand): 5'-CAACTGAAGCAATTATGTCATCAAGAATGTTAGGCATAGTCCGTCCACTTTTGCTACTCT[A>T]TTAAGGAAAAAACAAAACAAAAAAAACCTGTTTTTGAGAGAAATCAAATACATTTTCCTC-3'

ClinVar aggregate classification (germline): Uncertain significance (1 of 4 stars; one submission).

Conditions:
Early Myoclonic Encephalopathy. Identifiers: MedGen C0270855.

Submission:

Labcorp Genetics (formerly Invitae), Labcorp
Classification: Uncertain significance for Early Myoclonic Encephalopathy. Last evaluated: 2022-01-13. Review status: criteria provided, single submitter. Criteria: Invitae Variant Classification Sherloc (09022015). Collection method: clinical testing. Allele origin: germline.
Comment: In summary, the available evidence is currently insufficient to determine the role of this variant in disease. Therefore, it has been classified as a Variant of Uncertain Significance. Variants that disrupt the consensus splice site are a relatively common cause of aberrant splicing (PMID: 17576681, 9536098). Algorithms developed to predict the effect of sequence changes on RNA splicing suggest that this variant may disrupt the consensus splice site. This variant has not been reported in the literature in individuals affected with JMJD1C-related conditions. This variant is not present in population databases (gnomAD no frequency). This sequence change falls in intron 17 of the JMJD1C gene. It does not directly change the encoded amino acid sequence of the JMJD1C protein. It affects a nucleotide within the consensus splice site.

Literature cited by the submitters: PubMed 17576681; PubMed 9536098.